The following is an entry in ClinVar:

ClinVar aggregate classification (germline): Pathogenic. Review status: criteria provided, multiple submitters, no conflicts (2 of 4 stars). 3 submissions from 3 submitters: Pathogenic (2). 1 of the submissions does not count toward it. Last evaluated 2023-08-20.

Conditions:
Cone-rod dystrophy 23 (CORD23). Identifiers: MedGen C5829987.
Cone-rod dystrophy. Also called: Cone-rod degeneration; Cone/cone-rod dystrophy. Identifiers: Orphanet 1872, MedGen C4085590, MONDO:0015993, HP:0000548.

Submissions (3):

Labcorp Genetics (formerly Invitae), Labcorp
Classification: Pathogenic. Last evaluated: 2023-08-20. Review status: criteria provided, single submitter. Criteria: Invitae Variant Classification Sherloc (09022015). Collection method: clinical testing. Allele origin: germline.
Comment: For these reasons, this variant has been classified as Pathogenic. ClinVar contains an entry for this variant (Variation ID: 813057). This variant is also known as c.1804_1805delAG in C2orf71. This premature translational stop signal has been observed in individual(s) with retinitis pigmentosa (PMID: 31370859). This variant is not present in population databases (gnomAD no frequency). This sequence change creates a premature translational stop signal (p.His603Argfs*76) in the PCARE gene. It is expected to result in an absent or disrupted protein product. Loss-of-function variants in PCARE are known to be pathogenic (PMID: 20398886, 24339724, 26496393).

Molecular Genetics Laboratory, Institute for Ophthalmic Research
Classification: Pathogenic for Cone-rod dystrophy. Last evaluated: 2020-01-09. Review status: criteria provided, single submitter. Criteria: ACMG Guidelines, 2015. Collection method: research. Allele origin: germline. Affected: yes.

OMIM
Classification: Pathogenic for CONE-ROD DYSTROPHY 23. Last evaluated: 2023-02-16. Review status: no assertion criteria provided. Collection method: literature only. Allele origin: germline. Not counted in ClinVar's aggregate classification.

Literature cited by the submitters: PubMed 31370859 (cited by Labcorp Genetics (formerly Invitae), Labcorp); PubMed 20398886 (cited by Labcorp Genetics (formerly Invitae), Labcorp); PubMed 24339724 (cited by Labcorp Genetics (formerly Invitae), Labcorp); PubMed 26496393 (cited by Labcorp Genetics (formerly Invitae), Labcorp); PubMed 31819343 (cited by OMIM).

NM_001029883.3(PCARE):c.1804_1805del (p.His603fs)

Gene: PCARE (photoreceptor cilium actin regulator; minus strand). Cytogenetic location: 2p23.2.
Variant type: Microsatellite.
Coding change: c.1804_1805del on transcript NM_001029883.3 (MANE Select); coding-DNA positions 1804 to 1805, 2 bases deleted (AG; older notation c.1804_1805delAG).
Protein change: p.His603fs; shifts the reading frame from histidine 603.
Molecular consequence: frameshift variant.
Genome position (GRCh38, 1-based): chr2:29,072,457-29,072,458, CT deleted on the plus strand (AG on the coding strand, the reverse complement: PCARE is on the minus strand); deleting any 2 consecutive bases within chr2:29,072,457-29,072,460 gives the same sequence; the c. name uses the placement nearest the transcript's 3' end. VCF-style (leftmost placement, unchanged base first): chr2-29072456-ACT-A. GRCh37 (hg19) VCF-style: chr2-29295322-ACT-A.
Other names: short protein forms H603fs.
Identifiers: ClinVar variation 813057 (VCV000813057.17), dbSNP rs1667508280, ClinGen allele CA1139656796.